The following is an entry in ClinVar:

ClinVar aggregate classification (germline): Uncertain significance (1 of 4 stars; one submission).

gnomAD v4.1: 5 of 1,613,640 alleles (0.00031%); highest among the groups gnomAD compares: Non-Finnish European, 0.00042%; no homozygotes.

Submission:

Women's Health and Genetics/Laboratory Corporation of America, LabCorp
Classification: Uncertain significance. Last evaluated: 2026-04-27. Review status: criteria provided, single submitter. Criteria: LabCorp Variant Classification Summary - May 2015. Collection method: clinical testing. Allele origin: germline.
Comment: Variant summary: C1S c.44C>T (p.Ala15Val) results in a non-conservative amino acid change in the encoded protein sequence. Algorithms developed to predict the effect of missense changes on protein structure and function are either unavailable or do not agree on the potential impact of this missense change. The variant allele was found at a frequency of 8e-06 in 251392 control chromosomes. The available data on variant occurrences in the general population are insufficient to allow any conclusion about variant significance. To our knowledge, no occurrence of c.44C>T in individuals affected with C1S-related conditions and no experimental evidence demonstrating its impact on protein function have been reported. No submitters have cited clinical-significance assessments for this variant to ClinVar. Based on the evidence outlined above, the variant was classified as uncertain significance.

NM_001734.5(C1S):c.44C>T (p.Ala15Val)

Gene: C1S (complement C1s; plus strand). Cytogenetic location: 12p13.31.
Variant type: single nucleotide variant.
Coding change: c.44C>T on transcript NM_001734.5 (MANE Select); coding-DNA position 44, C replaced by T.
Protein change: p.Ala15Val; replaces alanine 15 with valine.
Molecular consequence: missense variant. On other transcripts: intron variant (1).
Genome position (GRCh38, 1-based): chr12:7,062,513, C>T. VCF-style: chr12-7062513-C-T. GRCh37 (hg19) VCF-style: chr12-7169817-C-T.
Other names: c.44C>T, p.Ala15Val (NM_201442.4); c.-288-377C>T (NM_001346850.2); short protein forms A15V.
Identifiers: ClinVar variation 4849076 (VCV004849076.1).
Genomic context (GRCh38, chr12:7,062,513, plus strand): 5'-ATCTATGCCTCTGTTTTTTCAGGTGCATTGTCCTGTTTTCACTTTTGGCATGGGTTTATG[C>T]TGAGCCTACCATGTATGGGGAGATCCTGTCCCCTAACTATCCTCAGGCATATCCCAGTGA-3'
Protein context (NP_001725.1, residues 5-25): VLFSLLAWVY[Ala15Val]EPTMYGEILS